The following is an entry in ClinVar:

ClinVar aggregate classification (germline): Likely benign (1 of 4 stars; one submission).

Allele frequency attached by ClinVar (database versions not stated): gnomAD exomes 0.00003; TOPMed 0.00023; gnomAD 0.00026.
gnomAD v4.1: 47 of 353,058 alleles (0.013%); highest among the groups gnomAD compares: African/African-American, 0.087%; no homozygotes.

Submission:

GeneDx
Classification: Likely benign. Last evaluated: 2015-11-09. Review status: criteria provided, single submitter. Criteria: GeneDx Variant Classification (06012015). Collection method: clinical testing. Allele origin: germline. Affected: yes.
Comment: This variant is considered likely benign or benign based on one or more of the following criteria: it is a conservative change, it occurs at a poorly conserved position in the protein, it is predicted to be benign by multiple in silico algorithms, and/or has population frequency not consistent with disease.

NM_004517.4(ILK):c.-105A>G

Genes: ILK (integrin linked kinase; plus strand), LOC130005200 (ATAC-STARR-seq lymphoblastoid silent region 3104; plus strand). Cytogenetic location: 11p15.4.
Variant type: single nucleotide variant.
Coding change: c.-105A>G on transcript NM_004517.4 (MANE Select); 105 bases upstream of the start codon, A replaced by G.
Molecular consequence: 5 prime UTR variant.
Genome position (GRCh38, 1-based): chr11:6,603,810, A>G. VCF-style: chr11-6603810-A-G. GRCh37 (hg19) VCF-style: chr11-6625040-A-G.
Other names: c.-59A>G (NM_001014794.3); c.-462A>G (NM_001014795.3); c.-105A>G (NM_001278441.2); c.-295A>G (NM_001278442.2).
Identifiers: ClinVar variation 381219 (VCV000381219.1), dbSNP rs373151075, ClinGen allele CA16605995.